The following is an entry in ClinVar:

ClinVar aggregate classification (germline): Uncertain significance (1 of 4 stars; one submission).

Conditions:
Encephalopathy, acute, infection-induced, susceptibility to, 9. Identifiers: MedGen C5193089, MONDO:0032742, OMIM 618426.

gnomAD v4.1: 37 of 1,614,068 alleles (0.0023%); highest among the groups gnomAD compares: Non-Finnish European, 0.0029%; no homozygotes.

Submission:

Clinical Genomic Analysis (GENYSIS) Core, University of North Carolina at Chapel Hill
Classification: Uncertain significance for Encephalopathy, acute, infection-induced, susceptibility to, 9. Last evaluated: 2025-06-17. Review status: criteria provided, single submitter. Criteria: ACMG Guidelines, 2015. Collection method: research. Allele origin: maternal. Observed: 1 compound heterozygote. Study: UNC Genetic Determinants of Neurological and Developmental Disorders (GDNDD) Study.
Comment: NUP214 c.1681C>G, p.(Pro561Ala), is a missense variant that changes a single amino acid from a proline to an alanine. This variant is present at a maximum population allele frequency of 0.003% (34/1180022 alleles, no homozygotes) in gnomADv4.1 and has not previously been reported in the literature or in the ClinVar database. In addition, in silico pathogenicity prediction models are conflicting. Given the available evidence, this variant is classified as a variant of uncertain significance.

NM_005085.4(NUP214):c.1681C>G (p.Pro561Ala)

Gene: NUP214 (nucleoporin 214; plus strand). Cytogenetic location: 9q34.13.
Variant type: single nucleotide variant.
Coding change: c.1681C>G on transcript NM_005085.4 (MANE Select); coding-DNA position 1681, C replaced by G.
Protein change: p.Pro561Ala; replaces proline 561 with alanine.
Molecular consequence: missense variant.
Genome position (GRCh38, 1-based): chr9:131,144,666, C>G. VCF-style: chr9-131144666-C-G. GRCh37 (hg19) VCF-style: chr9-134020053-C-G.
Other names: c.1681C>G, p.Pro561Ala (NM_001318324.2); short protein forms P561A.
Identifiers: ClinVar variation 4294315 (VCV004294315.1).